The following is an entry in ClinVar:

NM_003560.4(PLA2G6):c.2251G>A (p.Glu751Lys)

Gene: PLA2G6 (phospholipase A2 group VI; minus strand). Cytogenetic location: 22q13.1.
Variant type: single nucleotide variant.
Coding change: c.2251G>A on transcript NM_003560.4 (MANE Select); coding-DNA position 2251, G replaced by A.
Protein change: p.Glu751Lys; replaces glutamic acid 751 with lysine.
Molecular consequence: missense variant.
Genome position (GRCh38, 1-based): chr22:38,112,529, C>T on the plus strand (G>A on the coding strand, the complement: PLA2G6 is on the minus strand). VCF-style: chr22-38112529-C-T. GRCh37 (hg19) VCF-style: chr22-38508536-C-T.
Other names: NM_001004426.3:c.2089G>A; c.2251G>A (NM_003560.2); c.2089G>A, p.Glu697Lys (NM_001004426.3, NM_001199562.3, NM_001349865.2 and 1 more transcripts); c.2251G>A, p.Glu751Lys (NM_001349864.2); c.1717G>A, p.Glu573Lys (NM_001349867.2); c.1573G>A, p.Glu525Lys (NM_001349868.2); c.1555G>A, p.Glu519Lys (NM_001349869.2); short protein forms E519K, E573K, E697K, E525K, E751K.
Identifiers: ClinVar variation 2138447 (VCV002138447.7), dbSNP rs1296348337, ClinGen allele CA411523338.
Genomic context (GRCh38, chr22:38,112,529, plus strand): 5'-CACGGGGCCAAGGGCTGGGGCGGCTGAGCCCTCACCTGAAGTACTGGATGCCGACCATCT[C>T]GCACCAGGCCCGTGCCCGGTCCACAGCCCGCCCGTCTGGATCCGTGCACTGGTGAGAAGC-3'
Protein context (NP_003551.2, residues 741-761): RAVDRARAWC[Glu751Lys]MVGIQYFRLN

ClinVar aggregate classification (germline): Conflicting classifications of pathogenicity. Review status: criteria provided, conflicting classifications (1 of 4 stars). 4 submissions from 4 submitters: Pathogenic (2); Likely pathogenic (1); Uncertain significance (1). Last evaluated 2025-10-07.

Conditions:
PLA2G6-associated neurodegeneration (PLAN). Also called: phospholipase A2-associated neurodegeneration. Identifiers: Orphanet 329303, MedGen CN204472, MONDO:0017998.
Neurodegeneration with brain iron accumulation (NBIA). Identifiers: Orphanet 385, MedGen C2931845, MONDO:0018307.
Infantile neuroaxonal dystrophy (NBIA2A). Also called: NEURODEGENERATION WITH BRAIN IRON ACCUMULATION 2A; SEITELBERGER DISEASE; Infantile neuroaxonal dystrophy 1. Identifiers: Orphanet 35069, MedGen C0270724, MONDO:0024457, OMIM 256600.

Allele frequency attached by ClinVar (database versions not stated): gnomAD 0.00001.
gnomAD v4.1: 3 of 1,555,820 alleles (0.00019%); highest among the groups gnomAD compares: African/African-American, 0.0014%; no homozygotes.

Submissions (4):

GeneDx
Classification: Likely pathogenic. Last evaluated: 2025-10-07. Review status: criteria provided, single submitter. Criteria: GeneDx Variant Classification Process June 2021. Collection method: clinical testing. Allele origin: germline.
Comment: Observed in the homozygous state in unrelated patients with features of PLA2G6-related neurodegeneration in the literature and not observed in homozygous state in controls (PMID: 16783378, 31689548); Identified with a second PLA2G6 variant in a patient with a clinical diagnosis of a brain iron accumulation disorder, however, it is not known whether the variants occurred on the same (in cis) or on different (in trans) chromosomes, and additional clinical information was not included (PMID: 37453004); Not observed at significant frequency in large population cohorts (gnomAD); In silico analysis suggests that this missense variant does not alter protein structure/function; This variant is associated with the following publications: (PMID: 31689548, 37453004, 16783378, 18799783)

Women's Health and Genetics/Laboratory Corporation of America, LabCorp
Classification: Pathogenic for Neurodegeneration with brain iron accumulation. Last evaluated: 2023-07-24. Review status: criteria provided, single submitter. Criteria: LabCorp Variant Classification Summary - May 2015. Collection method: clinical testing. Allele origin: germline.
Comment: Variant summary: PLA2G6 c.2251G>A (p.Glu751Lys) results in a conservative amino acid change in the encoded protein sequence. Three of five in-silico tools predict a benign effect of the variant on protein function. The variant was absent in 159394 control chromosomes (gnomAD). c.2251G>A has been reported in the literature in multiple individuals affected with Neurodegeneration With Brain Iron Accumulation (example: Gafner_2020 and Morgan_2006). These data indicate that the variant is very likely to be associated with disease. The following publications have been ascertained in the context of this evaluation (PMID: 31689548, 18799783, 16783378). Two submitters have cited clinical-significance assessments for this variant to ClinVar after 2014 and classified the variant as pathogenic and likely pathogenic. Based on the evidence outlined above, the variant was classified as pathogenic.

Labcorp Genetics (formerly Invitae), Labcorp
Classification: Pathogenic for Infantile neuroaxonal dystrophy. Last evaluated: 2023-04-28. Review status: criteria provided, single submitter. Criteria: Invitae Variant Classification Sherloc (09022015). Collection method: clinical testing. Allele origin: germline.
Comment: For these reasons, this variant has been classified as Pathogenic. Advanced modeling of protein sequence and biophysical properties (such as structural, functional, and spatial information, amino acid conservation, physicochemical variation, residue mobility, and thermodynamic stability) performed at Invitae indicates that this missense variant is not expected to disrupt PLA2G6 protein function. ClinVar contains an entry for this variant (Variation ID: 2138447). This missense change has been observed in individuals with neurodegeneration with brain iron accumulation (PMID: 16783378, 31689548). It has also been observed to segregate with disease in related individuals. This variant is present in population databases (no rsID available, gnomAD 0.03%). This sequence change replaces glutamic acid, which is acidic and polar, with lysine, which is basic and polar, at codon 751 of the PLA2G6 protein (p.Glu751Lys).

Broad Center for Mendelian Genomics, Broad Institute of MIT and Harvard
Classification: Uncertain significance for PLA2G6-associated neurodegeneration. Last evaluated: 2023-01-24. Review status: criteria provided, single submitter. Criteria: ACMG Guidelines, 2015. Collection method: curation. Allele origin: germline. Inheritance: Autosomal recessive inheritance.
Comment: The p.Glu751Lys variant in PLA2G6 has been reported in 2 individuals with PLA2G6-associated neurodegeneration (PMID: 16783378, 31689548), segregated with disease in 1 affected relative from 1 family (PMID: 31689548), and has been identified in 0.03% (1/3464) of European (Finnish) chromosomes by the Genome Aggregation Database (gnomAD; dbSNP ID: rs1296348337). Although this variant has been seen in the general population in a heterozygous state, its frequency is not high enough to rule out a pathogenic role. Of the 2 affected individuals, both of those were homozygotes, which increases the likelihood that the p.Glu751Lys variant is pathogenic (PMID: 16783378, 31689548). Computational prediction tools and conservation analyses do not provide strong support for or against an impact to the protein. In summary, the clinical significance of the p.Glu751Lys variant is uncertain. ACMG/AMP Criteria applied: PM3 (Richards 2015).

Literature cited by the submitters: PubMed 16783378 (cited by Women's Health and Genetics/Laboratory Corporation of America, LabCorp and Labcorp Genetics (formerly Invitae), Labcorp); PubMed 18799783 (cited by Women's Health and Genetics/Laboratory Corporation of America, LabCorp); PubMed 31689548 (cited by Women's Health and Genetics/Laboratory Corporation of America, LabCorp and Labcorp Genetics (formerly Invitae), Labcorp).